The following is an entry in ClinVar:

NM_000539.3(RHO):c.355C>G (p.Leu119Val)

Gene: RHO (rhodopsin; plus strand). Cytogenetic location: 3q22.1.
Variant type: single nucleotide variant.
Coding change: c.355C>G on transcript NM_000539.3 (MANE Select); coding-DNA position 355, C replaced by G.
Protein change: p.Leu119Val; replaces leucine 119 with valine.
Molecular consequence: missense variant.
Genome position (GRCh38, 1-based): chr3:129,529,088, C>G. VCF-style: chr3-129529088-C-G. GRCh37 (hg19) VCF-style: chr3-129247931-C-G.
Other names: short protein forms L119V.
Identifiers: ClinVar variation 2109603 (VCV002109603.4), dbSNP rs749137786, ClinGen allele CA354497019.

ClinVar aggregate classification (germline): Uncertain significance (1 of 4 stars; one submission).

gnomAD v4.1: 6 of 1,612,436 alleles (0.00037%); highest among the groups gnomAD compares: Non-Finnish European, 0.00051%; no homozygotes.

Submission:

Labcorp Genetics (formerly Invitae), Labcorp
Classification: Uncertain significance. Last evaluated: 2022-03-12. Review status: criteria provided, single submitter. Criteria: Invitae Variant Classification Sherloc (09022015). Collection method: clinical testing. Allele origin: germline.
Comment: This sequence change replaces leucine, which is neutral and non-polar, with valine, which is neutral and non-polar, at codon 119 of the RHO protein (p.Leu119Val). In summary, the available evidence is currently insufficient to determine the role of this variant in disease. Therefore, it has been classified as a Variant of Uncertain Significance. Advanced modeling of protein sequence and biophysical properties (such as structural, functional, and spatial information, amino acid conservation, physicochemical variation, residue mobility, and thermodynamic stability) performed at Invitae indicates that this missense variant is not expected to disrupt RHO protein function. This variant has not been reported in the literature in individuals affected with RHO-related conditions. This variant is not present in population databases (gnomAD no frequency).